The following is an entry in ClinVar:

ClinVar aggregate classification (germline): Uncertain significance (1 of 4 stars; one submission).

Allele frequency attached by ClinVar (database versions not stated): gnomAD exomes below 0.00001.
gnomAD v4.1: 1 of 1,614,042 alleles (0.000062%); highest among the groups gnomAD compares: Non-Finnish European, 0.000085%; no homozygotes.

Submission:

Labcorp Genetics (formerly Invitae), Labcorp
Classification: Uncertain significance. Last evaluated: 2024-05-15. Review status: criteria provided, single submitter. Criteria: Invitae Variant Classification Sherloc (09022015). Collection method: clinical testing. Allele origin: germline.
Comment: This sequence change replaces alanine, which is neutral and non-polar, with threonine, which is neutral and polar, at codon 269 of the TPP1 protein (p.Ala269Thr). This variant is not present in population databases (gnomAD no frequency). This variant has not been reported in the literature in individuals affected with TPP1-related conditions. ClinVar contains an entry for this variant (Variation ID: 1408290). Advanced modeling of protein sequence and biophysical properties (such as structural, functional, and spatial information, amino acid conservation, physicochemical variation, residue mobility, and thermodynamic stability) performed at Invitae indicates that this missense variant is expected to disrupt TPP1 protein function with a positive predictive value of 95%. In summary, the available evidence is currently insufficient to determine the role of this variant in disease. Therefore, it has been classified as a Variant of Uncertain Significance.

NM_000391.4(TPP1):c.805G>A (p.Ala269Thr)

Gene: TPP1 (tripeptidyl peptidase 1; minus strand). Cytogenetic location: 11p15.4.
Variant type: single nucleotide variant.
Coding change: c.805G>A on transcript NM_000391.4 (MANE Select); coding-DNA position 805, G replaced by A.
Protein change: p.Ala269Thr; replaces alanine 269 with threonine.
Molecular consequence: missense variant.
Genome position (GRCh38, 1-based): chr11:6,616,742, C>T on the plus strand (G>A on the coding strand, the complement: TPP1 is on the minus strand). VCF-style: chr11-6616742-C-T. GRCh37 (hg19) VCF-style: chr11-6637973-C-T.
Other names: short protein forms A269T.
Identifiers: ClinVar variation 1408290 (VCV001408290.6), dbSNP rs2134594333, ClinGen allele CA379475042.
Genomic context (GRCh38, chr11:6,616,742, plus strand): 5'-TGGAGATGTTGGCACCAGCACTCATCAGGTACTGCACATCTAGACTGGCCTCAATCCCGG[C>T]CCGGCCCCGGCCCTGTTGTCCAACCACACGGGCTACTGATGCCTGATGTGCAAAGTTGCC-3'
Protein context (NP_000382.3, residues 259-279): RVVGQQGRGR[Ala269Thr]GIEASLDVQY